The following is an entry in ClinVar:

ClinVar aggregate classification (germline): Uncertain significance (1 of 4 stars; one submission).

Conditions:
Hereditary cancer-predisposing syndrome. Also called: Neoplastic Syndromes, Hereditary; Tumor predisposition; Hereditary neoplastic syndrome; Hereditary Cancer Syndrome. Identifiers: Orphanet 140162, MedGen C0027672, MeSH D009386, MONDO:0015356.

Submission:

Ambry Genetics
Classification: Uncertain significance for Hereditary cancer-predisposing syndrome. Last evaluated: 2023-10-01. Review status: criteria provided, single submitter. Criteria: Ambry Variant Classification Scheme 2023. Collection method: clinical testing. Allele origin: germline.
Comment: The p.I567S variant (also known as c.1700T>G), located in coding exon 12 of the PTCH1 gene, results from a T to G substitution at nucleotide position 1700. The isoleucine at codon 567 is replaced by serine, an amino acid with dissimilar properties. This amino acid position is conserved. In addition, this alteration is predicted to be deleterious by in silico analysis. Since supporting evidence is limited at this time, the clinical significance of this alteration remains unclear.

NM_000264.5(PTCH1):c.1700T>G (p.Ile567Ser)

Gene: PTCH1 (patched 1; minus strand). Cytogenetic location: 9q22.32.
Variant type: single nucleotide variant.
Coding change: c.1700T>G on transcript NM_000264.5 (MANE Select); coding-DNA position 1700, T replaced by G.
Protein change: p.Ile567Ser; replaces isoleucine 567 with serine.
Molecular consequence: missense variant. On other transcripts: non-coding transcript variant (1).
Genome position (GRCh38, 1-based): chr9:95,476,062, A>C on the plus strand (T>G on the coding strand, the complement: PTCH1 is on the minus strand). VCF-style: chr9-95476062-A-C. GRCh37 (hg19) VCF-style: chr9-98238344-A-C.
Other names: c.1502T>G, p.Ile501Ser (NM_001083602.3); c.1697T>G, p.Ile566Ser (NM_001083603.3); c.1247T>G, p.Ile416Ser (NM_001083604.3, NM_001083605.3, NM_001083606.3 and 1 more transcripts); c.1544T>G, p.Ile515Ser (NM_001354918.2); short protein forms I416S, I501S, I515S, I566S, I567S.
Identifiers: ClinVar variation 3230949 (VCV003230949.1), dbSNP rs2118250192, ClinGen allele CA374117925.